The following is an entry in ClinVar:

ClinVar aggregate classification (germline): Uncertain significance (1 of 4 stars; one submission).

Conditions:
Hereditary cancer-predisposing syndrome. Also called: Hereditary Cancer Syndrome; Neoplastic Syndromes, Hereditary; Tumor predisposition; Hereditary neoplastic syndrome. Identifiers: Orphanet 140162, MedGen C0027672, MeSH D009386, MONDO:0015356.

Submission:

Ambry Genetics
Classification: Uncertain significance for Hereditary cancer-predisposing syndrome. Last evaluated: 2022-07-12. Review status: criteria provided, single submitter. Criteria: Ambry Variant Classification Scheme 2023. Collection method: clinical testing. Allele origin: germline.
Comment: The p.Q339P variant (also known as c.1016A>C), located in coding exon 6 of the MEN1 gene, results from an A to C substitution at nucleotide position 1016. The glutamine at codon 339 is replaced by proline, an amino acid with similar properties. This amino acid position is conserved. In addition, this alteration is predicted to be deleterious by in silico analysis. Since supporting evidence is limited at this time, the clinical significance of this alteration remains unclear.

NM_001370259.2(MEN1):c.1016A>C (p.Gln339Pro)

Gene: MEN1 (menin 1; minus strand). Cytogenetic location: 11q13.1.
Variant type: single nucleotide variant.
Coding change: c.1016A>C on transcript NM_001370259.2 (MANE Select); coding-DNA position 1016, A replaced by C.
Protein change: p.Gln339Pro; replaces glutamine 339 with proline.
Molecular consequence: missense variant.
Genome position (GRCh38, 1-based): chr11:64,806,265, T>G on the plus strand (A>C on the coding strand, the complement: MEN1 is on the minus strand). VCF-style: chr11-64806265-T-G. GRCh37 (hg19) VCF-style: chr11-64573737-T-G.
Other names: c.1031A>C, p.Gln344Pro (NM_000244.4, NM_001407145.1, NM_001407150.1 and 5 more transcripts); c.1016A>C, p.Gln339Pro (NM_001370251.2, NM_001370260.2, NM_001370261.2 and 7 more transcripts); c.911A>C, p.Gln304Pro (NM_001370262.2, NM_001370263.2, NM_001407148.1 and 2 more transcripts); short protein forms Q304P, Q344P, Q339P.
Identifiers: ClinVar variation 1743990 (VCV001743990.2), dbSNP rs2497173033, ClinGen allele CA381183244.